The following is an entry in ClinVar:

NM_005560.6(LAMA5):c.7160C>G (p.Ala2387Gly)

Gene: LAMA5 (laminin subunit alpha 5; minus strand). Cytogenetic location: 20q13.33.
Variant type: single nucleotide variant.
Coding change: c.7160C>G on transcript NM_005560.6 (MANE Select); coding-DNA position 7160, C replaced by G.
Protein change: p.Ala2387Gly; replaces alanine 2387 with glycine.
Molecular consequence: missense variant.
Genome position (GRCh38, 1-based): chr20:62,318,533, G>C on the plus strand (C>G on the coding strand, the complement: LAMA5 is on the minus strand). VCF-style: chr20-62318533-G-C. GRCh37 (hg19) VCF-style: chr20-60893589-G-C.
Other names: short protein forms A2387G.
Identifiers: ClinVar variation 2632012 (VCV002632012.1), dbSNP rs371451247, ClinGen allele CA9941396.

ClinVar aggregate classification (germline): Uncertain significance (1 of 4 stars; one submission).

Conditions:
LAMA5-related disorder. Also called: LAMA5-related condition; LAMA5-Related Disorders.

Allele frequency attached by ClinVar (database versions not stated): gnomAD exomes below 0.00001; TOPMed below 0.00001; ExAC 0.00001; gnomAD 0.00001; ESP Exome Variant Server 0.00008.
gnomAD v4.1: 3 of 1,609,774 alleles (0.00019%); highest among the groups gnomAD compares: East Asian, 0.0022%; no homozygotes.

Submission:

PreventionGenetics, part of Exact Sciences
Classification: Uncertain significance for LAMA5-related condition. Last evaluated: 2022-12-19. Review status: criteria provided, single submitter. Criteria: ACMG Guidelines, 2015. Collection method: clinical testing. Allele origin: germline.
Comment: The LAMA5 c.7160C>G variant is predicted to result in the amino acid substitution p.Ala2387Gly. To our knowledge, this variant has not been reported in the literature or in a large population database, indicating this variant is rare. At this time, the clinical significance of this variant is uncertain due to the absence of conclusive functional and genetic evidence.